The following is an entry in ClinVar:

NM_001329943.3(KIAA0586):c.3663T>G (p.Ser1221=)

Gene: KIAA0586 (KIAA0586; plus strand). Cytogenetic location: 14q23.1.
Variant type: single nucleotide variant.
Coding change: c.3663T>G on transcript NM_001329943.3 (MANE Select); coding-DNA position 3663, T replaced by G.
Protein change: p.Ser1221=; no amino-acid change (serine 1221 retained).
Molecular consequence: synonymous variant.
Genome position (GRCh38, 1-based): chr14:58,488,756, T>G. VCF-style: chr14-58488756-T-G. GRCh37 (hg19) VCF-style: chr14-58955474-T-G.
Other names: c.3822T>G, p.Ser1274= (NM_001244189.2); c.3618T>G, p.Ser1206= (NM_001244190.2); c.3408T>G, p.Ser1136= (NM_001244191.2, NM_001329945.2, NM_001364700.1 and 1 more transcripts); c.3531T>G, p.Ser1177= (NM_001244192.2); c.3243T>G, p.Ser1081= (NM_001244193.2); c.3663T>G, p.Ser1221= (NM_001329944.2, NM_001329946.2, NM_001329947.2); c.3435T>G, p.Ser1145= (NM_014749.5).
Identifiers: ClinVar variation 542190 (VCV000542190.23), dbSNP rs201202020, ClinGen allele CA7206223.
Genomic context (GRCh38, chr14:58,488,756, plus strand): 5'-TCCCTTTATGCCATTTCCTGCCGGCACCAAGGCCCCTTCCCCCTCACAGATGCCAGGTTC[T>G]GATTCATCAACACTGGAGAGCACATTGAGTGTTACTGTCACTGAAACTGAAACTTTAGAT-3'
Protein context (NP_001316872.1, residues 1211-1231): KAPSPSQMPG[Ser1221=]DSSTLESTLS

ClinVar aggregate classification (germline): Conflicting classifications of pathogenicity. Review status: criteria provided, conflicting classifications (1 of 4 stars). 6 submissions from 6 submitters: Uncertain significance (2); Likely benign (3). 1 of the submissions does not count toward it. Last evaluated 2026-01-27.

Conditions:
KIAA0586-related disorder. Also called: KIAA0586-related condition; KIAA0586- Related disorders.
Joubert syndrome 23 (JBTS23). Identifiers: Orphanet 475, MedGen C4084822, MONDO:0014664, OMIM 616490.
Short-rib thoracic dysplasia 14 with polydactyly (SRTD14). Identifiers: Orphanet 397715, MedGen C4225286, MONDO:0014688, OMIM 616546.

Allele frequency attached by ClinVar (database versions not stated): 1000 Genomes Project 0.00020; 1000 Genomes Project 30x 0.00031; TOPMed 0.00079; gnomAD 0.00084 and 0.00088; gnomAD exomes 0.00089 and 0.00112; ExAC 0.00093; ESP Exome Variant Server 0.00099.
gnomAD v4.1: 1,745 of 1,613,946 alleles (0.11%); highest among the groups gnomAD compares: Non-Finnish European, 0.13%; no homozygotes.

Submissions (6):

Labcorp Genetics (formerly Invitae), Labcorp
Classification: Likely benign for Joubert syndrome 23; Short-rib thoracic dysplasia 14 with polydactyly. Last evaluated: 2026-01-27. Review status: criteria provided, single submitter. Criteria: Invitae Variant Classification Sherloc (09022015). Collection method: clinical testing. Allele origin: germline.

Greenwood Genetic Center Diagnostic Laboratories, Greenwood Genetic Center
Classification: Uncertain significance. Last evaluated: 2025-03-04. Review status: criteria provided, single submitter. Criteria: ACMG Guidelines, 2015. Collection method: clinical testing. Allele origin: germline.
Comment: No Applicable ACMG Criteria

Blueprint Genetics
Classification: Likely benign. Last evaluated: 2024-09-17. Review status: criteria provided, single submitter. Criteria: ACMG Guidelines, 2015. Collection method: clinical testing. Allele origin: germline.

Women's Health and Genetics/Laboratory Corporation of America, LabCorp
Classification: Likely benign. Last evaluated: 2024-05-16. Review status: criteria provided, single submitter. Criteria: LabCorp Variant Classification Summary - May 2015. Collection method: clinical testing. Allele origin: germline.

GeneDx
Classification: Uncertain significance. Last evaluated: 2023-08-07. Review status: criteria provided, single submitter. Criteria: GeneDx Variant Classification Process June 2021. Collection method: clinical testing. Allele origin: germline. Affected: yes.
Comment: Has not been previously published as pathogenic or benign to our knowledge; In silico analysis, which includes splice predictors and evolutionary conservation, suggests this variant may impact gene splicing. In the absence of RNA/functional studies, the actual effect of this sequence change is unknown.

PreventionGenetics, part of Exact Sciences
Classification: Likely benign for KIAA0586-related condition. Last evaluated: 2020-10-06. Review status: no assertion criteria provided. Collection method: clinical testing. Allele origin: germline. Not counted in ClinVar's aggregate classification.
Comment: This variant is classified as likely benign based on ACMG/AMP sequence variant interpretation guidelines (Richards et al. 2015 PMID: 25741868, with internal and published modifications).